The following is an entry in ClinVar:

ClinVar aggregate classification (germline): Uncertain significance (1 of 4 stars; one submission).

gnomAD v4.1: 1 of 1,613,518 alleles (0.000062%); highest among the groups gnomAD compares: Non-Finnish European, 0.000085%; no homozygotes.

Submission:

GeneDx
Classification: Uncertain significance. Last evaluated: 2025-10-08. Review status: criteria provided, single submitter. Criteria: GeneDx Variant Classification Process June 2021. Collection method: clinical testing. Allele origin: germline.
Comment: Not observed at significant frequency in large population cohorts (gnomAD); In silico analysis supports that this missense variant has a deleterious effect on protein structure/function; Has not been previously published as pathogenic or benign to our knowledge

NM_152564.5(VPS13B):c.9173G>A (p.Gly3058Glu)

Gene: VPS13B (vacuolar protein sorting 13 homolog B; plus strand). Cytogenetic location: 8q22.2.
Variant type: single nucleotide variant.
Coding change: c.9173G>A on transcript NM_152564.5 (MANE Select); coding-DNA position 9173, G replaced by A.
Protein change: p.Gly3058Glu; replaces glycine 3058 with glutamic acid.
Molecular consequence: missense variant.
Genome position (GRCh38, 1-based): chr8:99,821,472, G>A. VCF-style: chr8-99821472-G-A. GRCh37 (hg19) VCF-style: chr8-100833700-G-A.
Other names: c.9248G>A, p.Gly3083Glu (NM_017890.5); short protein forms G3058E, G3083E.
Identifiers: ClinVar variation 3360032 (VCV003360032.2).